The following is an entry in ClinVar:

NC_000007.13:g.(?_107432255)_(107434954_?)del

Gene: SLC26A3 (solute carrier family 26 member 3; minus strand). Cytogenetic location: 7q31.1.
Variant type: Deletion.
Identifiers: ClinVar variation 3245842 (VCV003245842.1).

ClinVar aggregate classification (germline): Pathogenic (1 of 4 stars; one submission).

Submission:

Labcorp Genetics (formerly Invitae), Labcorp
Classification: Pathogenic. Last evaluated: 2023-03-03. Review status: criteria provided, single submitter. Criteria: Invitae Variant Classification Sherloc (09022015). Collection method: clinical testing. Allele origin: unknown.
Comment: This variant is a gross deletion of the genomic region encompassing exon(s) 2-4 of the SLC26A3 gene, which includes the initiator codon. This deletion extends beyond the assayed region for this gene and therefore may encompass additional genes. It is expected to result in an absent or disrupted protein product. Loss-of-function variants in SLC26A3 are known to be pathogenic (PMID: 9718329, 21394828). This variant has not been reported in the literature in individuals affected with SLC26A3-related conditions. For these reasons, this variant has been classified as Pathogenic.

Literature cited by the submitters: PubMed 9718329; PubMed 21394828.